The following is an entry in ClinVar:

ClinVar aggregate classification (germline): Likely benign (1 of 4 stars; one submission).

gnomAD v4.1: 629 of 1,614,106 alleles (0.039%); highest among the groups gnomAD compares: African/African-American, 0.75%; 6 homozygotes.

Submission:

CeGaT Center for Human Genetics Tuebingen
Classification: Likely benign. Last evaluated: 2025-04-01. Review status: criteria provided, single submitter. Criteria: CeGaT Center For Human Genetics Tuebingen Variant Classification Criteria Version 2. Collection method: clinical testing. Allele origin: germline. Affected: yes. Observed: 1 variant allele.
Comment: ADH1C: BP4, BP7

NM_000669.5(ADH1C):c.928C>T (p.Leu310=)

Gene: ADH1C (alcohol dehydrogenase 1C (class I), gamma polypeptide; minus strand). Cytogenetic location: 4q23.
Variant type: single nucleotide variant.
Coding change: c.928C>T on transcript NM_000669.5 (MANE Select); coding-DNA position 928, C replaced by T.
Protein change: p.Leu310=; no amino-acid change (leucine 310 retained).
Molecular consequence: synonymous variant. On other transcripts: non-coding transcript variant (1).
Genome position (GRCh38, 1-based): chr4:99,340,611, G>A on the plus strand (C>T on the coding strand, the complement: ADH1C is on the minus strand). VCF-style: chr4-99340611-G-A. GRCh37 (hg19) VCF-style: chr4-100261768-G-A.
Identifiers: ClinVar variation 3905061 (VCV003905061.10).